The following is an entry in ClinVar:

ClinVar aggregate classification (germline): Pathogenic. Review status: criteria provided, multiple submitters, no conflicts (2 of 4 stars). 10 submissions from 10 submitters: Pathogenic (8). 2 of the submissions do not count toward it. Last evaluated 2025-08-20.

Conditions:
Inborn genetic diseases. Identifiers: MedGen C0950123, MeSH D030342.
Auriculocondylar syndrome. Also called: Auriculo-condylar syndrome; QUESTION MARK EARS SYNDROME. Identifiers: Orphanet 137888, MedGen C1865295, MONDO:0000107.
Auriculocondylar syndrome 1 (ARCND1). Identifiers: Orphanet 137888, MedGen C4551996, MONDO:0011234, OMIM 602483.
Auriculocondylar syndrome 2 (ARCND2A). Also called: AURICULOCONDYLAR SYNDROME 2A. Identifiers: Orphanet 137888, MedGen C3553404, MONDO:0013845, OMIM 614669.

Submissions (10):

Labcorp Genetics (formerly Invitae), Labcorp
Classification: Pathogenic. Last evaluated: 2025-08-20. Review status: criteria provided, single submitter. Criteria: Invitae Variant Classification Sherloc (09022015). Collection method: clinical testing. Allele origin: germline.
Comment: This sequence change replaces arginine, which is basic and polar, with histidine, which is basic and polar, at codon 621 of the PLCB4 protein (p.Arg621His). This variant is not present in population databases (gnomAD no frequency). This missense change has been observed in individual(s) with autosomal dominant auriculocondylar syndrome (PMID: 22560091, 23315542, 32201334, 33131036). In at least one individual the variant was observed to be de novo. It has also been observed to segregate with disease in related individuals. ClinVar contains an entry for this variant (Variation ID: 31639). Invitae Evidence Modeling of protein sequence and biophysical properties (such as structural, functional, and spatial information, amino acid conservation, physicochemical variation, residue mobility, and thermodynamic stability) has been performed for this missense variant. However, the output from this modeling did not meet the statistical confidence thresholds required to predict the impact of this variant on PLCB4 protein function. Algorithms developed to predict the effect of sequence changes on RNA splicing suggest that this variant may disrupt the consensus splice site. This variant disrupts the p.Arg621 amino acid residue in PLCB4. Other variant(s) that disrupt this residue have been determined to be pathogenic (PMID: 22560091, 35170830). This suggests that this residue is clinically significant, and that variants that disrupt this residue are likely to be disease-causing. For these reasons, this variant has been classified as Pathogenic.

Rady Children's Institute for Genomic Medicine, Rady Children's Hospital San Diego
Classification: Pathogenic for Auriculocondylar syndrome 2. Last evaluated: 2025-04-02. Review status: criteria provided, single submitter. Criteria: ACMG Guidelines, 2015. Collection method: clinical testing. Allele origin: germline. Affected: yes.
Comment: The c.1862G>A (p.Arg621His) variant affects a highly conserved amino acid and is predicted by multiple in silico tools to have a deleterious effect on protein function. This variant has been observed as a de novo variant in unrelated affected individuals and has also been reported to segregate in an autosomal dominant manner among related individuals with variable clinical features of ear anomalies, micrognathia, cleft palate, and glossoptosis (PMID: 18314001, 22560091, 23315542, 33131036, 35170830). The c.1862G>A (p.Arg621His) variant is located in a mutational hotspot for pathogenic variations associated with auriculocondylar syndrome (PMID: 23315542). Different amino acid changes at the same residue (p.Arg621Cys and p.Arg621Leu) have been previously reported in individuals with auriculocondylar syndrome (PMID: 22560091, 23315542). The c.1862G>A (p.Arg621His) variant is absent from the latest version of the gnomAD population database and thus is presumed to be rare. Based on the available evidence, c.1862G>A (p.Arg621His) is classified as Pathogenic.

Institute of Human Genetics, University of Leipzig Medical Center
Classification: Pathogenic for Auriculocondylar syndrome 2. Last evaluated: 2023-08-28. Review status: criteria provided, single submitter. Criteria: ACMG Guidelines, 2015. Collection method: clinical testing. Allele origin: unknown. Inheritance: Autosomal dominant inheritance. Affected: yes.
Comment: Criteria applied: PM5_STR,PS2_MOD,PS4_MOD,PM1,PM2_SUP,PP3,PP4

Tammimies Lab, Karolinska Institutet
Classification: Pathogenic for Auriculocondylar syndrome 2. Last evaluated: 2023-01-05. Review status: criteria provided, single submitter. Criteria: ACMG Guidelines, 2015. Collection method: research. Allele origin: maternal. Affected: yes.

GeneDx
Classification: Pathogenic. Last evaluated: 2022-08-30. Review status: criteria provided, single submitter. Criteria: GeneDx Variant Classification Process June 2021. Collection method: clinical testing. Allele origin: germline. Affected: yes.
Comment: Not observed at significant frequency in large population cohorts (gnomAD); In silico analysis supports that this missense variant has a deleterious effect on protein structure/function; This variant is associated with the following publications: (PMID: 23315542, 33131036, 32201334, 35170830, 22560091)

Illumina Laboratory Services, Illumina
Classification: Pathogenic for Auriculocondylar syndrome. Last evaluated: 2019-12-19. Review status: criteria provided, single submitter. Criteria: ICSLVariantClassificationCriteria RUGD 01 April 2020. Collection method: clinical testing. Allele origin: unknown.
Comment: The PLCB4 c.1862G>A (p.Arg621His) variant is a missense variant. Across a selection of the available literature, the p.Arg621His variant has been identified in a heterozygous state in at least seven individuals of a multi-generational family segregating with auriculocondylar syndrome (ACS), and in one sporadic case of ACS, in which the variant occurred in a de novo state (Rieder et al. 2012; Gordon et al. 2013). The p.Arg621His variant was not found in 10758 control alleles and is not reported in the Genome Aggregation Database despite good sequence coverage, so the variant is presumed to be rare (Rieder et al. 2012). The p.Arg621His variant is highly conserved through evolution and is located in a catalytic domain of the PCLB4 protein in a region described as a hotspot for missense variation associated with ACS (Gordon et al. 2013). Additionally, at least two more missense variants with different amino acid alterations at the Arg61 residue have been reported in the literature in affected individuals (Gordon et al. 2013). Based on the collective evidence and application of the ACMG criteria, the p.Arg621His variant is classified as pathogenic for auriculocondylar syndrome.

Ambry Genetics
Classification: Pathogenic for Inborn genetic diseases. Last evaluated: 2017-09-07. Review status: criteria provided, single submitter. Criteria: Ambry exome assertion method (8-5-2015). Collection method: clinical testing. Allele origin: germline. Affected: yes. Observed: 1 variant allele.

University of Washington Center for Mendelian Genomics, University of Washington
Classification: Pathogenic for Auriculocondylar syndrome 1. Last evaluated: 2012-09-17. Review status: criteria provided, single submitter. Criteria: submitter's publication. Collection method: research. Allele origin: inherited. Affected: yes.

Department of Genetics, Sultan Qaboos University Hospital
Classification: Pathogenic for Auriculocondylar syndrome 2. Last evaluated: 2017-12-30. Review status: no assertion criteria provided. Collection method: curation. Allele origin: unknown. Affected: yes. Not counted in ClinVar's aggregate classification.

OMIM
Classification: Pathogenic for AURICULOCONDYLAR SYNDROME 2. Last evaluated: 2013-03-01. Review status: no assertion criteria provided. Collection method: literature only. Allele origin: germline. Not counted in ClinVar's aggregate classification.

Literature cited by the submitters: PubMed 22560091 (cited by 5 submitters); PubMed 23315542 (cited by 5 submitters); PubMed 32201334 (cited by Labcorp Genetics (formerly Invitae), Labcorp); PubMed 33131036 (cited by Labcorp Genetics (formerly Invitae), Labcorp and Rady Children's Institute for Genomic Medicine, Rady Children's Hospital San Diego); PubMed 35170830 (cited by Labcorp Genetics (formerly Invitae), Labcorp and Rady Children's Institute for Genomic Medicine, Rady Children's Hospital San Diego); PubMed 18314001 (cited by Rady Children's Institute for Genomic Medicine, Rady Children's Hospital San Diego); PubMed 16114046 (cited by OMIM).

NM_001377142.1(PLCB4):c.1898G>A (p.Arg633His)

Gene: PLCB4 (phospholipase C beta 4; plus strand). Cytogenetic location: 20p12.2.
Variant type: single nucleotide variant.
Coding change: c.1898G>A on transcript NM_001377142.1 (MANE Select); coding-DNA position 1898, G replaced by A.
Protein change: p.Arg633His; replaces arginine 633 with histidine.
Molecular consequence: missense variant.
Genome position (GRCh38, 1-based): chr20:9,409,080, G>A. VCF-style: chr20-9409080-G-A. GRCh37 (hg19) VCF-style: chr20-9389727-G-A.
Other names: c.1862G>A, p.Arg621His (NM_000933.4, NM_001377134.2, NM_001377135.1 and 2 more transcripts); c.1898G>A, p.Arg633His (NM_001172646.2, NM_001377143.1); short protein forms R621H, R633H.
Identifiers: ClinVar variation 31639 (VCV000031639.14), dbSNP rs397514481, ClinGen allele CA129863.